The following is an entry in ClinVar:

ClinVar aggregate classification (germline): Uncertain significance (1 of 4 stars; one submission).

Conditions:
Arrhythmogenic cardiomyopathy with wooly hair and keratoderma. Also called: Carvajal syndrome; PALMOPLANTAR KERATODERMA WITH LEFT VENTRICULAR CARDIOMYOPATHY AND WOOLLY HAIR; Dilated cardiomyopathy with woolly hair and keratoderma; Arrhythmogenic cardiomyopathy with woolly hair and keratoderma. Identifiers: Orphanet 65282, MedGen C1854063, MONDO:0011581, OMIM 605676.

gnomAD v4.1: 5 of 1,613,760 alleles (0.00031%); highest among the groups gnomAD compares: Non-Finnish European, 0.00042%; no homozygotes.

Submission:

All of Us Research Program, National Institutes of Health
Classification: Uncertain significance for Arrhythmogenic cardiomyopathy with wooly hair and keratoderma. Last evaluated: 2024-05-30. Review status: criteria provided, single submitter. Criteria: ACMG Guidelines, 2015. Collection method: clinical testing. Allele origin: germline. Inheritance: Autosomal dominant inheritance. Observed: 1 variant allele, 1 heterozygote.
Comment: This missense variant replaces threonine with alanine at codon 1368 of the DSP protein. Computational prediction suggests that this variant may not impact protein structure and function (internally defined REVEL score threshold <= 0.5, PMID: 27666373). To our knowledge, functional studies have not been reported for this variant. This variant has not been reported in individuals affected with DSP-related disorders in the literature. This variant has been identified in 4/250696 chromosomes in the general population by the Genome Aggregation Database (gnomAD). The available evidence is insufficient to determine the role of this variant in disease conclusively. Therefore, this variant is classified as a Variant of Uncertain Significance.

This study involves interpretation of variants in research participants for the purpose of population health screening. Participant phenotype was not available at the time of variant classification. Additional details can be found in publication PMID: 35346344, PMCID: PMC8962531

NM_004415.4(DSP):c.4102A>G (p.Thr1368Ala)

Gene: DSP (desmoplakin; plus strand). Cytogenetic location: 6p24.3.
Variant type: single nucleotide variant.
Coding change: c.4102A>G on transcript NM_004415.4 (MANE Select); coding-DNA position 4102, A replaced by G.
Protein change: p.Thr1368Ala; replaces threonine 1368 with alanine.
Molecular consequence: missense variant. On other transcripts: intron variant (2).
Genome position (GRCh38, 1-based): chr6:7,580,292, A>G. VCF-style: chr6-7580292-A-G. GRCh37 (hg19) VCF-style: chr6-7580525-A-G.
Other names: c.4050+52A>G (NM_001319034.2); c.3582+520A>G (NM_001008844.3); short protein forms T1368A.
Identifiers: ClinVar variation 3386671 (VCV003386671.1).